The following is an entry in ClinVar:

ClinVar aggregate classification (germline): Likely benign (1 of 4 stars; one submission).

Conditions:
Pheochromocytoma/paraganglioma syndrome 5. Also called: Paragangliomas 5; SDHA-Related Hereditary Paraganglioma-Pheochromocytoma Syndrome. Identifiers: Orphanet 29072, MedGen C3279992, MONDO:0013602, OMIM 614165.

Submission:

Myriad Genetics, Inc.
Classification: Likely benign for Pheochromocytoma/paraganglioma syndrome 5. Last evaluated: 2025-03-11. Review status: criteria provided, single submitter. Criteria: Myriad Autosomal Dominant, Autosomal Recessive and X-Linked Classification Criteria (2023). Collection method: clinical testing. Allele origin: unknown.
Comment: This variant is considered likely benign. This variant is intronic and is not expected to impact mRNA splicing.

NM_004168.4(SDHA):c.1795-11T>C

Gene: SDHA (succinate dehydrogenase complex flavoprotein subunit A; plus strand). Cytogenetic location: 5p15.33.
Variant type: single nucleotide variant.
Coding change: c.1795-11T>C on transcript NM_004168.4 (MANE Select); 11 bases into the intron before coding-DNA position 1795, T replaced by C.
Molecular consequence: intron variant.
Genome position (GRCh38, 1-based): chr5:254,382, T>C. VCF-style: chr5-254382-T-C. GRCh37 (hg19) VCF-style: chr5-254497-T-C.
Other names: c.1552-11T>C (NM_001330758.2); c.1651-11T>C (NM_001294332.2).
Identifiers: ClinVar variation 3904468 (VCV003904468.1).